The following is an entry in ClinVar:

NM_005562.3(LAMC2):c.3329-2A>C

Gene: LAMC2 (laminin subunit gamma 2; plus strand). Cytogenetic location: 1q25.3.
Variant type: single nucleotide variant.
Coding change: c.3329-2A>C on transcript NM_005562.3 (MANE Select); the canonical splice acceptor site of the intron before coding-DNA position 3329, A replaced by C.
Molecular consequence: splice acceptor variant.
Genome position (GRCh38, 1-based): chr1:183,243,145, A>C. VCF-style: chr1-183243145-A-C. GRCh37 (hg19) VCF-style: chr1-183212280-A-C.
Identifiers: ClinVar variation 5004244 (VCV005004244.1).

ClinVar aggregate classification (germline): Likely pathogenic (1 of 4 stars; one submission).

Conditions:
Junctional epidermolysis bullosa. Identifiers: Orphanet 305, MedGen C0079301, MONDO:0017612.

Submission:

Myriad Genetics, Inc.
Classification: Likely pathogenic for Junctional epidermolysis bullosa. Last evaluated: 2025-10-27. Review status: criteria provided, single submitter. Criteria: Myriad Autosomal Dominant, Autosomal Recessive and X-Linked Classification Criteria (2023). Collection method: clinical testing. Allele origin: unknown.
Comment: NM_005562.2(LAMC2):c.3329-2A>C is a variant in a canonical splice site classified as likely pathogenic in the context of junctional epidermolysis bullosa, LAMC2-related. c.3329-2A>C has not been observed in cases with relevant disease. Relevant functional assessments of this variant are not available in the literature. c.3329-2A>C has not been observed in referenced population frequency databases. In summary, NM_005562.2(LAMC2):c.3329-2A>C is a variant in a canonical splice site in a gene where loss of function is a known mechanism of disease and is predicted to disrupt protein function. Please note: this variant was assessed in the context of healthy population screening.